The following is an entry in ClinVar:

ClinVar aggregate classification (germline): Conflicting classifications of pathogenicity; other. Review status: criteria provided, conflicting classifications (1 of 4 stars). 9 submissions from 9 submitters: Uncertain significance (6); Benign (1). 1 of the submissions does not count toward it. Last evaluated 2024-06-07.

Conditions:
Mucopolysaccharidosis type 7 (MPS7). Also called: GUSB DEFICIENCY; MPS VII; BETA-GLUCURONIDASE DEFICIENCY; SLY SYNDROME. Identifiers: Orphanet 584, MedGen C0085132, MONDO:0009662, OMIM 253220.
Intellectual disability. Also called: Intellectual developmental disorder; Intellectual functioning disability; intellectual disabilities. Identifiers: MedGen C3714756, MeSH D008607, MONDO:0001071, HP:0001249.

Allele frequency attached by ClinVar (database versions not stated): 1000 Genomes Project 30x 0.00047; 1000 Genomes Project 0.00060; TOPMed 0.00107; ExAC 0.00108; ESP Exome Variant Server 0.00115; gnomAD exomes 0.00115; gnomAD 0.00127 and 0.00128.
gnomAD v4.1: 2,925 of 1,613,278 alleles (0.18%); highest among the groups gnomAD compares: Non-Finnish European, 0.22%; 2 homozygotes.

Submissions (9):

Mayo Clinic Laboratories, Mayo Clinic
Classification: Uncertain significance. Last evaluated: 2024-06-07. Review status: criteria provided, single submitter. Criteria: ACMG Guidelines, 2015. Collection method: clinical testing. Allele origin: germline. Observed: 1 variant allele.
Comment: BS1, PP3

GeneDx
Classification: Benign. Last evaluated: 2021-11-10. Review status: criteria provided, single submitter. Criteria: GeneDx Variant Classification Process June 2021. Collection method: clinical testing. Allele origin: germline. Affected: yes.
Comment: This variant is associated with the following publications: (PMID: 19224584, 7573038, 9490302, 34426522)

Department of Pathology and Laboratory Medicine, Sinai Health System
Classification: Uncertain significance for Mucopolysaccharidosis type 7. Last evaluated: 2021-09-09. Review status: criteria provided, single submitter. Criteria: ACMG Guidelines, 2015. Collection method: research. Allele origin: germline.

CeGaT Center for Human Genetics Tuebingen
Classification: Uncertain significance. Last evaluated: 2021-09-01. Review status: criteria provided, single submitter. Criteria: CeGaT Center For Human Genetics Tuebingen Variant Classification Criteria Version 2. Collection method: clinical testing. Allele origin: germline. Affected: yes. Observed: 1 variant allele.

Mendelics
Classification: Uncertain significance for Mucopolysaccharidosis type 7. Last evaluated: 2019-05-28. Review status: criteria provided, single submitter. Criteria: Mendelics Assertion Criteria 2017. Collection method: clinical testing. Allele origin: unknown.

Fulgent Genetics
Classification: Uncertain significance for Mucopolysaccharidosis type 7. Last evaluated: 2018-10-31. Review status: criteria provided, single submitter. Criteria: ACMG Guidelines, 2015. Collection method: clinical testing. Allele origin: unknown.

Labcorp Genetics (formerly Invitae), Labcorp
Classification: other for Mucopolysaccharidosis type VII. Last evaluated: 2018-01-17. Review status: criteria provided, single submitter. Criteria: Invitae Variant Classification Sherloc (09022015). Collection method: clinical testing. Allele origin: germline.
Comment: This variant is a known pseudodeficiency allele (PMID: 7573038, 19224584). Individuals with this variant can exhibit low beta-glucuronidase activity during enzyme analysis; however, it has been observed as homozygous in population databases and in individuals who did not have clinical evidence of muccopolysacchariduria (PMID: 7573038,Â¬â€ 9490302). For these reasons, this variant has been classified as Benign (Pseudodeficiency allele).

Illumina Laboratory Services, Illumina
Classification: Uncertain significance for Mucopolysaccharidosis type 7. Last evaluated: 2017-04-28. Review status: criteria provided, single submitter. Criteria: ICSL Variant Classification Criteria 13 December 2019. Collection method: clinical testing. Allele origin: germline.
Comment: This variant was observed as part of a predisposition screen in an ostensibly healthy population. A literature search was performed for the gene, cDNA change, and amino acid change (where applicable). Publications were found based on this search. However, the evidence from the literature, in combination with allele frequency data from public databases where available, was not sufficient to rule this variant in or out of causing disease. Therefore, this variant is classified as a variant of unknown significance.

Centre de Biologie Pathologie Génétique, Centre Hospitalier Universitaire de Lille
Classification: Likely benign for Intellectual disability. Last evaluated: 2019-01-01. Review status: no assertion criteria provided. Collection method: clinical testing. Allele origin: inherited. Affected: yes. Not counted in ClinVar's aggregate classification.

Literature cited by the submitters: PubMed 19224584 (cited by 3 submitters); PubMed 7573038 (cited by 3 submitters); PubMed 9490302 (cited by Mayo Clinic Laboratories, Mayo Clinic and Illumina Laboratory Services, Illumina); PubMed 23777470 (cited by Illumina Laboratory Services, Illumina); PubMed 21504867 (cited by Illumina Laboratory Services, Illumina).

NM_000181.4(GUSB):c.454G>A (p.Asp152Asn)

Gene: GUSB (glucuronidase beta; minus strand). Cytogenetic location: 7q11.21.
Variant type: single nucleotide variant.
Coding change: c.454G>A on transcript NM_000181.4 (MANE Select); coding-DNA position 454, G replaced by A.
Protein change: p.Asp152Asn; replaces aspartic acid 152 with asparagine.
Molecular consequence: missense variant. On other transcripts: non-coding transcript variant (1), intron variant (2).
Genome position (GRCh38, 1-based): chr7:65,979,854, C>T on the plus strand (G>A on the coding strand, the complement: GUSB is on the minus strand). VCF-style: chr7-65979854-C-T. GRCh37 (hg19) VCF-style: chr7-65444841-C-T.
Other names: p.Asp152Asn; c.454G>A, p.Asp152Asn (NM_001284290.2); c.67+370G>A (NM_001293105.2); c.12-313G>A (NM_001293104.2); short protein forms D152N.
Identifiers: ClinVar variation 458510 (VCV000458510.50), dbSNP rs149606212, ClinGen allele CA4276629.
Genomic context (GRCh38, chr7:65,979,854, plus strand): 5'-TGGCGATAGTGATTCGGAGCCGGGAGGGCAGGGGCCCCACCTGGACCAGGTTGCTGATGT[C>T]GGCCTCGAAGGGGAGGTAGCCCCCCTCATGCTCTAGCGTGTCGACCCCATTCACCCACTG-3'
Protein context (NP_000172.2, residues 142-162): HEGGYLPFEA[Asp152Asn]ISNLVQVGPL